The following is an entry in ClinVar:

NM_001759.4(CCND2):c.137G>C (p.Cys46Ser)

Genes: CCND2 (cyclin D2; plus strand), CCND2-AS1 (CCND2 antisense RNA 1; minus strand). Cytogenetic location: 12p13.32.
Variant type: single nucleotide variant.
Coding change: c.137G>C on transcript NM_001759.4 (MANE Select); coding-DNA position 137, G replaced by C.
Protein change: p.Cys46Ser; replaces cysteine 46 with serine.
Molecular consequence: missense variant.
Genome position (GRCh38, 1-based): chr12:4,274,177, G>C. VCF-style: chr12-4274177-G-C. GRCh37 (hg19) VCF-style: chr12-4383343-G-C.
Other names: short protein forms C46S.
Identifiers: ClinVar variation 3371289 (VCV003371289.1).
Genomic context (GRCh38, chr12:4,274,177, plus strand): 5'-TCCTGCAGAACCTGCTCACCATCGAGGAGCGCTACCTTCCGCAGTGCTCCTACTTCAAGT[G>C]CGTGCAGAAGGACATCCAACCCTACATGCGCAGAATGGTGGCCACCTGGATGCTGGAGGT-3'
Protein context (NP_001750.1, residues 36-56): RYLPQCSYFK[Cys46Ser]VQKDIQPYMR

ClinVar aggregate classification (germline): Uncertain significance (1 of 4 stars; one submission).

Submission:

GeneDx
Classification: Uncertain significance. Last evaluated: 2024-03-22. Review status: criteria provided, single submitter. Criteria: GeneDx Variant Classification Process June 2021. Collection method: clinical testing. Allele origin: germline. Affected: yes.
Comment: Not observed at significant frequency in large population cohorts (gnomAD); In silico analysis supports that this missense variant has a deleterious effect on protein structure/function; Has not been previously published as pathogenic or benign to our knowledge